The following is an entry in ClinVar:

ClinVar aggregate classification (germline): Likely benign (1 of 4 stars; one submission).

Allele frequency attached by ClinVar (database versions not stated): gnomAD exomes below 0.00001; TOPMed below 0.00001.
gnomAD v4.1: 1 of 1,200,685 alleles (0.000083%); highest among the groups gnomAD compares: Admixed American, 0.0022%; no homozygotes.

Submission:

GeneDx
Classification: Likely benign. Last evaluated: 2016-09-21. Review status: criteria provided, single submitter. Criteria: GeneDx Variant Classification (06012015). Collection method: clinical testing. Allele origin: germline. Affected: yes.
Comment: This variant is considered likely benign or benign based on one or more of the following criteria: it is a conservative change, it occurs at a poorly conserved position in the protein, it is predicted to be benign by multiple in silico algorithms, and/or has population frequency not consistent with disease.

NM_001323289.2(CDKL5):c.146-19A>G

Gene: CDKL5 (cyclin dependent kinase like 5; plus strand). Cytogenetic location: Xp22.13.
Variant type: single nucleotide variant.
Coding change: c.146-19A>G on transcript NM_001323289.2 (MANE Select); 19 bases into the intron before coding-DNA position 146, A replaced by G.
Molecular consequence: intron variant.
Genome position (GRCh38, 1-based): chrX:18,575,335, A>G. VCF-style: chrX-18575335-A-G. GRCh37 (hg19) VCF-style: chrX-18593455-A-G.
Other names: c.146-19A>G (NM_003159.3, NM_001037343.2).
Identifiers: ClinVar variation 389222 (VCV000389222.1), dbSNP rs1057523365, ClinGen allele CA16608851.